The following is an entry in ClinVar:

NM_001287.6(CLCN7):c.2250+1G>A

Gene: CLCN7 (chloride voltage-gated channel 7; minus strand). Cytogenetic location: 16p13.3.
Variant type: single nucleotide variant.
Coding change: c.2250+1G>A on transcript NM_001287.6 (MANE Select); the canonical splice donor site of the intron after coding-DNA position 2250, G replaced by A.
Molecular consequence: splice donor variant.
Genome position (GRCh38, 1-based): chr16:1,447,391, C>T on the plus strand (G>A on the coding strand, the complement: CLCN7 is on the minus strand). VCF-style: chr16-1447391-C-T. GRCh37 (hg19) VCF-style: chr16-1497392-C-T.
Other names: c.2178+1G>A (NM_001114331.3).
Identifiers: ClinVar variation 3721940 (VCV003721940.2).

ClinVar aggregate classification (germline): Pathogenic (1 of 4 stars; one submission).

Submission:

Labcorp Genetics (formerly Invitae), Labcorp
Classification: Pathogenic. Last evaluated: 2024-03-02. Review status: criteria provided, single submitter. Criteria: Invitae Variant Classification Sherloc (09022015). Collection method: clinical testing. Allele origin: germline.
Comment: This sequence change affects a donor splice site in intron 23 of the CLCN7 gene. It is expected to disrupt RNA splicing. Variants that disrupt the donor or acceptor splice site typically lead to a loss of protein function (PMID: 16199547), and loss-of-function variants in CLCN7 are known to be pathogenic (PMID: 14584882, 19953639). This variant is not present in population databases (gnomAD no frequency). Disruption of this splice site has been observed in individuals with autosomal dominant osteopetrosis (PMID: 19953639; Invitae). Algorithms developed to predict the effect of sequence changes on RNA splicing suggest that this variant may disrupt the consensus splice site. For these reasons, this variant has been classified as Pathogenic.

Literature cited by the submitters: PubMed 16199547; PubMed 14584882; PubMed 19953639.